The following is an entry in ClinVar:

ClinVar aggregate classification (germline): Uncertain significance (1 of 4 stars; one submission).

Conditions:
Fanconi anemia (FA). Also called: Fanconi's anemia. Identifiers: Orphanet 84, MedGen C0015625, MeSH D005199, MONDO:0019391.

gnomAD v4.1: 1 of 1,614,054 alleles (0.000062%); no homozygotes.

Submission:

Labcorp Genetics (formerly Invitae), Labcorp
Classification: Uncertain significance for Fanconi anemia. Last evaluated: 2025-10-06. Review status: criteria provided, single submitter. Criteria: Invitae Variant Classification Sherloc (09022015). Collection method: clinical testing. Allele origin: germline.
Comment: This sequence change replaces glutamic acid, which is acidic and polar, with aspartic acid, which is acidic and polar, at codon 477 of the SLX4 protein (p.Glu477Asp). This variant is present in population databases (no rsID available, gnomAD 0.0009%). This variant has not been reported in the literature in individuals affected with SLX4-related conditions. An algorithm developed to predict the effect of missense changes on protein structure and function outputs the following: PolyPhen-2: "Benign". The aspartic acid amino acid residue is found in multiple mammalian species, which suggests that this missense change does not adversely affect protein function. In summary, the available evidence is currently insufficient to determine the role of this variant in disease. Therefore, it has been classified as a Variant of Uncertain Significance.

NM_032444.4(SLX4):c.1431A>C (p.Glu477Asp)

Gene: SLX4 (SLX4 structure-specific endonuclease subunit; minus strand). Cytogenetic location: 16p13.3.
Variant type: single nucleotide variant.
Coding change: c.1431A>C on transcript NM_032444.4 (MANE Select); coding-DNA position 1431, A replaced by C.
Protein change: p.Glu477Asp; replaces glutamic acid 477 with aspartic acid.
Molecular consequence: missense variant.
Genome position (GRCh38, 1-based): chr16:3,597,631, T>G on the plus strand (A>C on the coding strand, the complement: SLX4 is on the minus strand). VCF-style: chr16-3597631-T-G. GRCh37 (hg19) VCF-style: chr16-3647632-T-G.
Other names: short protein forms E477D.
Identifiers: ClinVar variation 4701545 (VCV004701545.1).